The following is an entry in ClinVar:

ClinVar aggregate classification (germline): Likely benign (1 of 4 stars; one submission).

Submission:

GeneDx
Classification: Likely benign. Last evaluated: 2016-04-07. Review status: criteria provided, single submitter. Criteria: GeneDx Variant Classification (06012015). Collection method: clinical testing. Allele origin: germline. Affected: yes.
Comment: This variant is considered likely benign or benign based on one or more of the following criteria: it is a conservative change, it occurs at a poorly conserved position in the protein, it is predicted to be benign by multiple in silico algorithms, and/or has population frequency not consistent with disease.

NM_001376.5(DYNC1H1):c.11839T>C (p.Leu3947=)

Gene: DYNC1H1 (dynein cytoplasmic 1 heavy chain 1; plus strand). Cytogenetic location: 14q32.31.
Variant type: single nucleotide variant.
Coding change: c.11839T>C on transcript NM_001376.5 (MANE Select); coding-DNA position 11839, T replaced by C.
Protein change: p.Leu3947=; no amino-acid change (leucine 3947 retained).
Molecular consequence: synonymous variant.
Genome position (GRCh38, 1-based): chr14:102,040,384, T>C. VCF-style: chr14-102040384-T-C. GRCh37 (hg19) VCF-style: chr14-102506721-T-C.
Identifiers: ClinVar variation 385219 (VCV000385219.1), dbSNP rs1057522153, ClinGen allele CA16606502.